The following is an entry in ClinVar:

NM_199420.4(POLQ):c.5872A>G (p.Lys1958Glu)

Gene: POLQ (DNA polymerase theta; minus strand). Cytogenetic location: 3q13.33.
Variant type: single nucleotide variant.
Coding change: c.5872A>G on transcript NM_199420.4 (MANE Select); coding-DNA position 5872, A replaced by G.
Protein change: p.Lys1958Glu; replaces lysine 1958 with glutamic acid.
Molecular consequence: missense variant.
Genome position (GRCh38, 1-based): chr3:121,483,484, T>C on the plus strand (A>G on the coding strand, the complement: POLQ is on the minus strand). VCF-style: chr3-121483484-T-C. GRCh37 (hg19) VCF-style: chr3-121202331-T-C.
Other names: short protein forms K1958E.
Identifiers: ClinVar variation 3230077 (VCV003230077.1), dbSNP rs1411275556, ClinGen allele CA354088609.

ClinVar aggregate classification (germline): Uncertain significance (1 of 4 stars; one submission).

Allele frequency attached by ClinVar (database versions not stated): TOPMed below 0.00001.

Submission:

Ambry Genetics
Classification: Uncertain significance. Last evaluated: 2024-02-10. Review status: criteria provided, single submitter. Criteria: Ambry Variant Classification Scheme 2023. Collection method: clinical testing. Allele origin: germline.
Comment: The p.K1958E variant (also known as c.5872A>G), located in coding exon 18 of the POLQ gene, results from an A to G substitution at nucleotide position 5872. The lysine at codon 1958 is replaced by glutamic acid, an amino acid with similar properties. This amino acid position is conserved. In addition, this alteration is predicted to be tolerated by in silico analysis. Based on the available evidence, the clinical significance of this alteration remains unclear.